The following is an entry in ClinVar:

ClinVar aggregate classification (germline): Uncertain significance (1 of 4 stars; one submission).

Conditions:
Congenital disorder of glycosylation, type Iaa. Also called: Congenital disorder of glycosylation, type 1aa. Identifiers: MedGen C4310727, MONDO:0014904, OMIM 617082.

gnomAD v4.1: 4 of 1,539,582 alleles (0.00026%); highest among the groups gnomAD compares: South Asian, 0.0012%; no homozygotes.

Submission:

Labcorp Genetics (formerly Invitae), Labcorp
Classification: Uncertain significance for Congenital disorder of glycosylation, type Iaa. Last evaluated: 2025-12-23. Review status: criteria provided, single submitter. Criteria: Invitae Variant Classification Sherloc (09022015). Collection method: clinical testing. Allele origin: germline.
Comment: This sequence change replaces leucine, which is neutral and non-polar, with phenylalanine, which is neutral and non-polar, at codon 22 of the NUS1 protein (p.Leu22Phe). This variant is not present in population databases (gnomAD no frequency). This missense change has been observed in individual(s) with Parkinson disease (PMID: 30348779). An algorithm developed to predict the effect of missense changes on protein structure and function (PolyPhen-2) suggests that this variant is likely to be disruptive. In summary, the available evidence is currently insufficient to determine the role of this variant in disease. Therefore, it has been classified as a Variant of Uncertain Significance.

Literature cited by the submitters: PubMed 30348779.

NM_138459.5(NUS1):c.64C>T (p.Leu22Phe)

Gene: NUS1 (NUS1 dehydrodolichyl diphosphate synthase subunit; plus strand). Cytogenetic location: 6q22.1.
Variant type: single nucleotide variant.
Coding change: c.64C>T on transcript NM_138459.5 (MANE Select); coding-DNA position 64, C replaced by T.
Protein change: p.Leu22Phe; replaces leucine 22 with phenylalanine.
Molecular consequence: missense variant.
Genome position (GRCh38, 1-based): chr6:117,675,734, C>T. VCF-style: chr6-117675734-C-T. GRCh37 (hg19) VCF-style: chr6-117996897-C-T.
Other names: short protein forms L22F.
Identifiers: ClinVar variation 4739083 (VCV004739083.1).